The following is an entry in ClinVar:

ClinVar aggregate classification (germline): Uncertain significance (1 of 4 stars; one submission).

Submission:

Labcorp Genetics (formerly Invitae), Labcorp
Classification: Uncertain significance. Last evaluated: 2021-11-03. Review status: criteria provided, single submitter. Criteria: Invitae Variant Classification Sherloc (09022015). Collection method: clinical testing. Allele origin: germline.
Comment: In summary, the available evidence is currently insufficient to determine the role of this variant in disease. Therefore, it has been classified as a Variant of Uncertain Significance. Algorithms developed to predict the effect of missense changes on protein structure and function output the following: SIFT: "Tolerated"; PolyPhen-2: "Not Available"; Align-GVGD: "Class C0". The valine amino acid residue is found in multiple mammalian species, which suggests that this missense change does not adversely affect protein function. This variant has not been reported in the literature in individuals affected with CDHR1-related conditions. This variant is not present in population databases (gnomAD no frequency). This sequence change replaces alanine, which is neutral and non-polar, with valine, which is neutral and non-polar, at codon 19 of the CDHR1 protein (p.Ala19Val).

NM_033100.4(CDHR1):c.56C>T (p.Ala19Val)

Gene: CDHR1 (cadherin related family member 1; plus strand). Cytogenetic location: 10q23.1.
Variant type: single nucleotide variant.
Coding change: c.56C>T on transcript NM_033100.4 (MANE Select); coding-DNA position 56, C replaced by T.
Protein change: p.Ala19Val; replaces alanine 19 with valine.
Molecular consequence: missense variant.
Genome position (GRCh38, 1-based): chr10:84,195,494, C>T. VCF-style: chr10-84195494-C-T. GRCh37 (hg19) VCF-style: chr10-85955250-C-T.
Other names: c.56C>T, p.Ala19Val (NM_001171971.3); short protein forms A19V.
Identifiers: ClinVar variation 1391053 (VCV001391053.6), dbSNP rs2132784717, ClinGen allele CA377369187.